The following is an entry in ClinVar:

ClinVar aggregate classification (germline): Uncertain significance. Review status: criteria provided, multiple submitters, no conflicts (2 of 4 stars). 3 submissions from 3 submitters: Uncertain significance (3). Last evaluated 2024-11-21.

Conditions:
Neuroblastoma, susceptibility to, 2. Identifiers: Orphanet 635, MedGen C2751682, MONDO:0700041, OMIM 613013.
Hereditary cancer-predisposing syndrome. Also called: Neoplastic Syndromes, Hereditary; Hereditary Cancer Syndrome; Tumor predisposition; Hereditary neoplastic syndrome. Identifiers: Orphanet 140162, MedGen C0027672, MeSH D009386, MONDO:0015356.
Haddad syndrome (OHD). Also called: Ondine-Hirschsprung disease. Identifiers: Orphanet 99803, MedGen C1859049, MONDO:0020493.

Allele frequency attached by ClinVar (database versions not stated): TOPMed 0.00001.
gnomAD v4.1: 1 of 1,347,702 alleles (0.000074%); highest among the groups gnomAD compares: Non-Finnish European, 0.000094%; no homozygotes.

Submissions (3):

Ambry Genetics
Classification: Uncertain significance for Hereditary cancer-predisposing syndrome. Last evaluated: 2024-11-21. Review status: criteria provided, single submitter. Criteria: Ambry Variant Classification Scheme 2023. Collection method: clinical testing. Allele origin: germline.
Comment: The p.P232A variant (also known as c.694C>G), located in coding exon 3 of the PHOX2B gene, results from a C to G substitution at nucleotide position 694. The proline at codon 232 is replaced by alanine, an amino acid with highly similar properties. This amino acid position is well conserved in available vertebrate species. In addition, this alteration is predicted to be tolerated by in silico analysis. Since supporting evidence is limited at this time, the clinical significance of this alteration remains unclear.

Baylor Genetics
Classification: Uncertain significance for Neuroblastoma, susceptibility to, 2. Last evaluated: 2024-01-02. Review status: criteria provided, single submitter. Criteria: ACMG Guidelines, 2015. Collection method: clinical testing. Allele origin: unknown.

Labcorp Genetics (formerly Invitae), Labcorp
Classification: Uncertain significance for Haddad syndrome. Last evaluated: 2023-09-04. Review status: criteria provided, single submitter. Criteria: Invitae Variant Classification Sherloc (09022015). Collection method: clinical testing. Allele origin: germline.
Comment: This sequence change replaces proline, which is neutral and non-polar, with alanine, which is neutral and non-polar, at codon 232 of the PHOX2B protein (p.Pro232Ala). This variant is not present in population databases (gnomAD no frequency). This variant has not been reported in the literature in individuals affected with PHOX2B-related conditions. ClinVar contains an entry for this variant (Variation ID: 970177). Advanced modeling of protein sequence and biophysical properties (such as structural, functional, and spatial information, amino acid conservation, physicochemical variation, residue mobility, and thermodynamic stability) performed at Invitae indicates that this missense variant is not expected to disrupt PHOX2B protein function. In summary, the available evidence is currently insufficient to determine the role of this variant in disease. Therefore, it has been classified as a Variant of Uncertain Significance.

NM_003924.4(PHOX2B):c.694C>G (p.Pro232Ala)

Gene: PHOX2B (paired like homeobox 2B; minus strand). Cytogenetic location: 4p13.
Variant type: single nucleotide variant.
Coding change: c.694C>G on transcript NM_003924.4 (MANE Select); coding-DNA position 694, C replaced by G.
Protein change: p.Pro232Ala; replaces proline 232 with alanine.
Molecular consequence: missense variant.
Genome position (GRCh38, 1-based): chr4:41,746,058, G>C on the plus strand (C>G on the coding strand, the complement: PHOX2B is on the minus strand). VCF-style: chr4-41746058-G-C. GRCh37 (hg19) VCF-style: chr4-41748075-G-C.
Other names: short protein forms P232A.
Identifiers: ClinVar variation 970177 (VCV000970177.12), dbSNP rs1433654836, ClinGen allele CA356737368.